The following is an entry in ClinVar:

NM_213649.2(SFXN4):c.886A>G (p.Met296Val)

Gene: SFXN4 (sideroflexin 4; minus strand). Cytogenetic location: 10q26.11.
Variant type: single nucleotide variant.
Coding change: c.886A>G on transcript NM_213649.2 (MANE Select); coding-DNA position 886, A replaced by G.
Protein change: p.Met296Val; replaces methionine 296 with valine.
Molecular consequence: missense variant. On other transcripts: non-coding transcript variant (1).
Genome position (GRCh38, 1-based): chr10:119,146,286, T>C on the plus strand (A>G on the coding strand, the complement: SFXN4 is on the minus strand). VCF-style: chr10-119146286-T-C. GRCh37 (hg19) VCF-style: chr10-120905798-T-C.
Other names: short protein forms M296V.
Identifiers: ClinVar variation 5009697 (VCV005009697.1).

ClinVar aggregate classification (germline): Uncertain significance (1 of 4 stars; one submission).

gnomAD v4.1: 6 of 1,613,662 alleles (0.00037%); highest among the groups gnomAD compares: South Asian, 0.0044%; no homozygotes.

Submission:

GeneDx
Classification: Uncertain significance. Last evaluated: 2026-02-22. Review status: criteria provided, single submitter. Criteria: GeneDx Variant Classification Process June 2021. Collection method: clinical testing. Allele origin: germline.
Comment: Not observed at significant frequency in large population cohorts (gnomAD); In silico analysis suggests that this missense variant does not alter protein structure/function; Has not been previously published as pathogenic or benign to our knowledge